The following is an entry in ClinVar:

ClinVar aggregate classification (germline): Uncertain significance. Review status: criteria provided, multiple submitters, no conflicts (2 of 4 stars). 4 submissions from 4 submitters: Uncertain significance (4). Last evaluated 2026-01-07.

Conditions:
Brain small vessel disease 1 with or without ocular anomalies (BSVD1). Also called: PORENCEPHALY, TYPE 1, AUTOSOMAL DOMINANT; BRAIN SMALL VESSEL DISEASE WITH HEMORRHAGE; GOULD SYNDROME 1; Brain small vessel disease with or without ocular anomalies. Identifiers: Orphanet 2940, Orphanet 36383, Orphanet 99810, MedGen C4755307, MONDO:0008289, OMIM 175780.
Retinal arterial tortuosity. Also called: RETINAL HEMORRHAGE WITH VASCULAR TORTUOSITY; Retinal arteries, tortuosity of. Identifiers: Orphanet 75326, MedGen C0423401, MONDO:0008373, OMIM 180000, HP:0000631.
Microangiopathy and leukoencephalopathy, pontine, autosomal dominant. Also called: Pontine autosomal dominant microangiopathy with leukoencephalopathy; DEMENTIA, HEREDITARY MULTI-INFARCT, SWEDISH TYPE. Identifiers: Orphanet 477749, MedGen C5231411, MONDO:0032814, OMIM 618564.
Autosomal dominant familial hematuria-retinal arteriolar tortuosity-contractures syndrome. Also called: Angiopathy, hereditary, with nephropathy, aneurysms, and muscle cramps; Hereditary Angiopathy with Nephropathy, Aneurysms, and Muscle Cramps (HANAC) Syndrome. Identifiers: Orphanet 73229, MedGen C2673195, MONDO:0012726, OMIM 611773.
Hemorrhage, intracerebral, susceptibility to (ICH). Also called: Stroke, hemorrhagic, susceptibility to. Identifiers: MedGen C3281105, MONDO:0100533, OMIM 614519.
Inborn genetic diseases. Identifiers: MedGen C0950123, MeSH D030342.

Allele frequency attached by ClinVar (database versions not stated): gnomAD exomes below 0.00001 and 0.00001; TOPMed below 0.00001; ExAC 0.00001; gnomAD 0.00001.
gnomAD v4.1: 15 of 1,613,584 alleles (0.00093%); highest among the groups gnomAD compares: African/African-American, 0.0013%; no homozygotes.

Submissions (4):

Labcorp Genetics (formerly Invitae), Labcorp
Classification: Uncertain significance. Last evaluated: 2026-01-07. Review status: criteria provided, single submitter. Criteria: Invitae Variant Classification Sherloc (09022015). Collection method: clinical testing. Allele origin: germline.
Comment: This sequence change replaces proline, which is neutral and non-polar, with serine, which is neutral and polar, at codon 1075 of the COL4A1 protein (p.Pro1075Ser). This variant is present in population databases (rs780691085, gnomAD 0.007%). This variant has not been reported in the literature in individuals affected with COL4A1-related conditions. ClinVar contains an entry for this variant (Variation ID: 1328674). Invitae Evidence Modeling of protein sequence and biophysical properties (such as structural, functional, and spatial information, amino acid conservation, physicochemical variation, residue mobility, and thermodynamic stability) indicates that this missense variant is not expected to disrupt COL4A1 protein function with a negative predictive value of 95%. In summary, the available evidence is currently insufficient to determine the role of this variant in disease. Therefore, it has been classified as a Variant of Uncertain Significance.

Ambry Genetics
Classification: Uncertain significance for Inborn genetic diseases. Last evaluated: 2024-03-18. Review status: criteria provided, single submitter. Criteria: Ambry Variant Classification Scheme 2023. Collection method: clinical testing. Allele origin: germline.

Fulgent Genetics
Classification: Uncertain significance for Brain small vessel disease 1 with or without ocular anomalies; Retinal arterial tortuosity; Autosomal dominant familial hematuria-retinal arteriolar tortuosity-contractures syndrome; Hemorrhage, intracerebral, susceptibility to; Microangiopathy and leukoencephalopathy, pontine, autosomal dominant. Last evaluated: 2022-03-07. Review status: criteria provided, single submitter. Criteria: ACMG Guidelines, 2015. Collection method: clinical testing. Allele origin: unknown.

GeneDx
Classification: Uncertain significance. Last evaluated: 2021-06-18. Review status: criteria provided, single submitter. Criteria: GeneDx Variant Classification Process June 2021. Collection method: clinical testing. Allele origin: germline. Affected: yes.
Comment: Has not been previously published as pathogenic or benign to our knowledge; Not observed at significant frequency in large population cohorts (Lek et al., 2016); In silico analysis supports that this missense variant has a deleterious effect on protein structure/function; This variant is associated with the following publications: (PMID: 27535533)

NM_001845.6(COL4A1):c.3223C>T (p.Pro1075Ser)

Gene: COL4A1 (collagen type IV alpha 1 chain; minus strand). Cytogenetic location: 13q34.
Variant type: single nucleotide variant.
Coding change: c.3223C>T on transcript NM_001845.6 (MANE Select); coding-DNA position 3223, C replaced by T.
Protein change: p.Pro1075Ser; replaces proline 1075 with serine.
Molecular consequence: missense variant.
Genome position (GRCh38, 1-based): chr13:110,174,725, G>A on the plus strand (C>T on the coding strand, the complement: COL4A1 is on the minus strand). VCF-style: chr13-110174725-G-A. GRCh37 (hg19) VCF-style: chr13-110827072-G-A.
Other names: short protein forms P1075S.
Identifiers: ClinVar variation 1328674 (VCV001328674.9), dbSNP rs780691085, ClinGen allele CA7047328.